The following is an entry in ClinVar:

NM_000038.6(APC):c.4098_4111del (p.Gln1367fs)

Gene: APC (APC regulator of Wnt signaling pathway; plus strand). Cytogenetic location: 5q22.2.
Variant type: Deletion.
Coding change: c.4098_4111del on transcript NM_000038.6 (MANE Select); coding-DNA positions 4098 to 4111, 14 bases deleted (TCAGACACCCAAAA).
Protein change: p.Gln1367fs; shifts the reading frame from glutamine 1367.
Molecular consequence: frameshift variant. On other transcripts: non-coding transcript variant (2).
Genome position (GRCh38, 1-based): chr5:112,839,692-112,839,705, TCAGACACCCAAAA deleted. VCF-style (leftmost placement, unchanged base first): chr5-112839691-CTCAGACACCCAAAA-C. GRCh37 (hg19) VCF-style: chr5-112175388-CTCAGACACCCAAAA-C.
Other names: c.4098_4111del, p.Gln1367fs (NM_001127510.3, NM_001354895.2, NM_001407450.1); c.4044_4057del, p.Gln1349fs (NM_001127511.3); c.4152_4165del, p.Gln1385fs (NM_001354896.2, NM_001407447.1, NM_001407448.1 and 1 more transcripts); c.4128_4141del, p.Gln1377fs (NM_001354897.2); c.4023_4036del, p.Gln1342fs (NM_001354898.2); c.4014_4027del, p.Gln1339fs (NM_001354899.2); c.3975_3988del, p.Gln1326fs (NM_001354900.2); c.3921_3934del, p.Gln1308fs (NM_001354901.2, NM_001407453.1); and 12 more; short protein forms Q1084fs, Q1207fs, Q1238fs, Q1241fs, Q1266fs, Q1276fs, Q1284fs, Q1308fs.
Identifiers: ClinVar variation 4533200 (VCV004533200.1).
Genomic context (GRCh38, chr5:112,839,691, plus strand): 5'-CAGCCAGGCACAAAGCTGTTGAATTTTCTTCAGGAGCGAAATCTCCCTCCAAAAGTGGTG[CTCAGACACCCAAAA>C]GTCCACCTGAACACTATGTTCAGGAGACCCCACTCATGTTTAGCAGATGTACTTCTGTCA-3'

ClinVar aggregate classification (germline): Likely pathogenic (1 of 4 stars; one submission).

Conditions:
Familial adenomatous polyposis 1 (FAP1). Also called: FAMILIAL ADENOMATOUS POLYPOSIS 1, ATTENUATED; POLYPOSIS, ADENOMATOUS INTESTINAL. Identifiers: MedGen C2713442, MONDO:0021056, OMIM 175100. Disease mechanism: loss of function.

Submission:

Programa de cancer hereditario, Instituto de medicina traslacional e ingenieria biomedica, Hospital Italiano de Buenos Aires
Classification: Likely pathogenic for Familial adenomatous polyposis 1. Review status: criteria provided, single submitter. Criteria: Yin et al. (Am J Hum Genet. 2024). Collection method: research. Allele origin: germline. Affected: yes. Observed: 1 variant allele, 1 heterozygote.
Comment: Evaluation following ClinGen Hereditary Cancer VCEP guidelines identifies this variant as Likely Pathogenic. Criteria met: PVS1: Null variant (nonsense, frameshift, canonical ±1 or 2 splice sites, initiation codon, single or multi-exon deletion) in a gene where LOF is a known mechanism of disease. PM2 (Supporting): Absent from controls (or at extremely low frequency) in ExAC, gnomAD, or 1000 Genomes.